The following is an entry in ClinVar:

NM_001673.5(ASNS):c.632C>A (p.Pro211His)

Genes: ASNS (asparagine synthetase (glutamine-hydrolyzing); minus strand), CZ1P-ASNS (CZ1P-ASNS readthrough; minus strand). Cytogenetic location: 7q21.3.
Variant type: single nucleotide variant.
Coding change: c.632C>A on transcript NM_001673.5 (MANE Select); coding-DNA position 632, C replaced by A.
Protein change: p.Pro211His; replaces proline 211 with histidine.
Molecular consequence: missense variant. On other transcripts: non-coding transcript variant (1).
Genome position (GRCh38, 1-based): chr7:97,859,254, G>T on the plus strand (C>A on the coding strand, the complement: ASNS is on the minus strand). VCF-style: chr7-97859254-G-T. GRCh37 (hg19) VCF-style: chr7-97488566-G-T.
Other names: c.569C>A, p.Pro190His (NM_001178075.2); c.383C>A, p.Pro128His (NM_001178076.2, NM_001178077.1); c.632C>A, p.Pro211His (NM_001352496.2, NM_133436.3, NM_183356.4); short protein forms P190H, P211H, P128H.
Identifiers: ClinVar variation 1303959 (VCV001303959.3), dbSNP rs2115659026, ClinGen allele CA368269628.

ClinVar aggregate classification (germline): Uncertain significance. Review status: criteria provided, multiple submitters, no conflicts (2 of 4 stars). 2 submissions from 2 submitters: Uncertain significance (2). Last evaluated 2023-12-22.

Submissions (2):

Blueprint Genetics
Classification: Uncertain significance. Last evaluated: 2023-12-22. Review status: criteria provided, single submitter. Criteria: ACMG Guidelines, 2015. Collection method: clinical testing. Allele origin: germline.

GeneDx
Classification: Uncertain significance. Last evaluated: 2020-09-17. Review status: criteria provided, single submitter. Criteria: GeneDx Variant Classification Process June 2021. Collection method: clinical testing. Allele origin: germline. Affected: yes.
Comment: Not observed in large population cohorts (Lek et al., 2016); In silico analysis supports that this missense variant has a deleterious effect on protein structure/function; Has not been previously published as pathogenic or benign to our knowledge